The following is an entry in ClinVar:

NM_003803.4(MYOM1):c.3032T>C (p.Val1011Ala)

Gene: MYOM1 (myomesin 1; minus strand). Cytogenetic location: 18p11.31.
Variant type: single nucleotide variant.
Coding change: c.3032T>C on transcript NM_003803.4 (MANE Select); coding-DNA position 3032, T replaced by C.
Protein change: p.Val1011Ala; replaces valine 1011 with alanine.
Molecular consequence: missense variant.
Genome position (GRCh38, 1-based): chr18:3,119,955, A>G on the plus strand (T>C on the coding strand, the complement: MYOM1 is on the minus strand). VCF-style: chr18-3119955-A-G. GRCh37 (hg19) VCF-style: chr18-3119953-A-G.
Other names: c.2744T>C, p.Val915Ala (NM_019856.2); short protein forms V915A, V1011A.
Identifiers: ClinVar variation 2148551 (VCV002148551.4), dbSNP rs2079662203, ClinGen allele CA401707125.

ClinVar aggregate classification (germline): Uncertain significance (1 of 4 stars; one submission).

Conditions:
Hypertrophic cardiomyopathy. Also called: HYPERTROPHIC MYOCARDIOPATHY. Identifiers: Orphanet 217569, MedGen C0007194, MeSH D002312, MONDO:0005045, HP:0001639.

Allele frequency attached by ClinVar (database versions not stated): TOPMed below 0.00001.

Submission:

Labcorp Genetics (formerly Invitae), Labcorp
Classification: Uncertain significance for Hypertrophic cardiomyopathy. Last evaluated: 2022-04-11. Review status: criteria provided, single submitter. Criteria: Invitae Variant Classification Sherloc (09022015). Collection method: clinical testing. Allele origin: germline.
Comment: In summary, the available evidence is currently insufficient to determine the role of this variant in disease. Therefore, it has been classified as a Variant of Uncertain Significance. Algorithms developed to predict the effect of missense changes on protein structure and function are either unavailable or do not agree on the potential impact of this missense change (SIFT: "Deleterious"; PolyPhen-2: "Probably Damaging"; Align-GVGD: "Class C0"). This variant has not been reported in the literature in individuals affected with MYOM1-related conditions. This variant is not present in population databases (gnomAD no frequency). This sequence change replaces valine, which is neutral and non-polar, with alanine, which is neutral and non-polar, at codon 1011 of the MYOM1 protein (p.Val1011Ala).